The following is an entry in ClinVar:

NC_000023.11:g.(?_32545139)_(32645172_?)del

Gene: DMD (dystrophin; minus strand). Cytogenetic location: Xp21.1.
Variant type: Deletion.
Identifiers: ClinVar variation 833501 (VCV000833501.2).

ClinVar aggregate classification (germline): Pathogenic (1 of 4 stars; one submission).

Conditions:
Duchenne muscular dystrophy (DMD). Also called: Duchenne Muscular Dystrophy (DMD); MUSCULAR DYSTROPHY, PSEUDOHYPERTROPHIC PROGRESSIVE, DUCHENNE TYPE. Identifiers: Orphanet 98896, MedGen C0013264, MONDO:0010679, OMIM 310200.

Submission:

Labcorp Genetics (formerly Invitae), Labcorp
Classification: Pathogenic for Duchenne muscular dystrophy. Last evaluated: 2021-09-09. Review status: criteria provided, single submitter. Criteria: Invitae Variant Classification Sherloc (09022015). Collection method: clinical testing. Allele origin: germline.
Comment: This variant is a gross deletion of the genomic region encompassing exon(s) 10-17 of the DMD gene. This deletion is out-of-frame, and is expected to create a premature termination codon and result in an absent or disrupted protein product. Loss-of-function variants in DMD are known to be pathogenic (PMID: 16770791, 25007885). A similar copy number variant has been observed in individuals with Duchenne or Becker muscular dystrophy (PMID: 17561468, 24099565). For these reasons, this variant has been classified as Pathogenic.

Literature cited by the submitters: PubMed 16770791; PubMed 25007885; PubMed 17561468; PubMed 24099565.